The following is an entry in ClinVar:

ClinVar aggregate classification (germline): Conflicting classifications of pathogenicity. Review status: criteria provided, conflicting classifications (1 of 4 stars). 3 submissions from 3 submitters: Uncertain significance (1); Benign (1). 1 of the submissions does not count toward it. Last evaluated 2024-04-26.

Conditions:
PKD1-related disorder. Also called: PKD1-related condition.
Polycystic kidney disease, adult type (PKD1). Also called: Polycystic Kidney Disease 1, Autosomal Dominant; Polycystic kidney disease 1; Polycystic kidney disease 1, severe; POLYCYSTIC KIDNEY DISEASE 1 WITH OR WITHOUT POLYCYSTIC LIVER DISEASE; Polycystic Kidney, Autosomal Dominant; POLYCYSTIC KIDNEY DISEASE, ADULT, TYPE I. Identifiers: MedGen C3149841, MONDO:0008263, OMIM 173900.

Allele frequency attached by ClinVar (database versions not stated): gnomAD exomes below 0.00001; ExAC 0.00001; gnomAD 0.00001; TOPMed 0.00001.
gnomAD v4.1: 5 of 1,610,486 alleles (0.00031%); highest among the groups gnomAD compares: Non-Finnish European, 0.00042%; no homozygotes.

Submissions (3):

Fulgent Genetics
Classification: Uncertain significance for Polycystic kidney disease, adult type. Last evaluated: 2024-04-26. Review status: criteria provided, single submitter. Criteria: ACMG Guidelines, 2015. Collection method: clinical testing. Allele origin: germline.

ARUP Laboratories, Molecular Genetics and Genomics, ARUP Laboratories
Classification: Benign for Polycystic kidney disease, adult type. Last evaluated: 2020-03-04. Review status: criteria provided, single submitter. Criteria: ARUP Molecular Germline Variant Investigation Process. Collection method: clinical testing. Allele origin: germline.

PreventionGenetics, part of Exact Sciences
Classification: Likely benign for PKD1-related condition. Last evaluated: 2020-10-28. Review status: no assertion criteria provided. Collection method: clinical testing. Allele origin: germline. Not counted in ClinVar's aggregate classification.
Comment: This variant is classified as likely benign based on ACMG/AMP sequence variant interpretation guidelines (Richards et al. 2015 PMID: 25741868, with internal and published modifications).

NM_001009944.3(PKD1):c.6771G>A (p.Val2257=)

Gene: PKD1 (polycystin 1, transient receptor potential channel interacting; minus strand). Cytogenetic location: 16p13.3.
Variant type: single nucleotide variant.
Coding change: c.6771G>A on transcript NM_001009944.3 (MANE Select); coding-DNA position 6771, G replaced by A.
Protein change: p.Val2257=; no amino-acid change (valine 2257 retained).
Molecular consequence: synonymous variant.
Genome position (GRCh38, 1-based): chr16:2,108,396, C>T on the plus strand (G>A on the coding strand, the complement: PKD1 is on the minus strand). VCF-style: chr16-2108396-C-T. GRCh37 (hg19) VCF-style: chr16-2158397-C-T.
Other names: c.6771G>A, p.Val2257= (NM_000296.4); c.6771G>A (NM_001009944.2).
Identifiers: ClinVar variation 618824 (VCV000618824.12), dbSNP rs770172913, ClinGen allele CA7831466.